The following is an entry in ClinVar:

NM_205836.3(FBXO38):c.1202G>C (p.Cys401Ser)

Gene: FBXO38 (F-box protein 38; plus strand). Cytogenetic location: 5q32.
Variant type: single nucleotide variant.
Coding change: c.1202G>C on transcript NM_205836.3 (MANE Select); coding-DNA position 1202, G replaced by C.
Protein change: p.Cys401Ser; replaces cysteine 401 with serine.
Molecular consequence: missense variant.
Genome position (GRCh38, 1-based): chr5:148,414,244, G>C. VCF-style: chr5-148414244-G-C. GRCh37 (hg19) VCF-style: chr5-147793807-G-C.
Other names: c.1202G>C, p.Cys401Ser (NM_001271723.2, NM_030793.5); c.1202G>C (NM_030793.4); short protein forms C401S.
Identifiers: ClinVar variation 2168445 (VCV002168445.5), dbSNP rs777938088, ClinGen allele CA3497228.
Genomic context (GRCh38, chr5:148,414,244, plus strand): 5'-TAGAAAATCCTGGTATCATCACTGATATAGGGATGAAAGCAGTCAATGAAGTTTTTTCCT[G>C]TATCAAATATCTGGCAATTTACAATTGCCCTCATCTACACAACCCATACAATTGGATCTC-3'
Protein context (NP_995308.1, residues 391-411): GMKAVNEVFS[Cys401Ser]IKYLAIYNCP

ClinVar aggregate classification (germline): Uncertain significance. Review status: criteria provided, multiple submitters, no conflicts (2 of 4 stars). 2 submissions from 2 submitters: Uncertain significance (2). Last evaluated 2025-04-07.

Conditions:
Distal hereditary motor neuropathy type 2. Identifiers: Orphanet 139525, MedGen C3711384, MeSH C580044, MONDO:0015352.

Allele frequency attached by ClinVar (database versions not stated): ExAC 0.00002; TOPMed 0.00005.
gnomAD v4.1: 12 of 1,612,106 alleles (0.00074%); highest among the groups gnomAD compares: African/African-American, 0.016%; no homozygotes.

Submissions (2):

Labcorp Genetics (formerly Invitae), Labcorp
Classification: Uncertain significance for Distal hereditary motor neuropathy type 2. Last evaluated: 2025-04-07. Review status: criteria provided, single submitter. Criteria: Invitae Variant Classification Sherloc (09022015). Collection method: clinical testing. Allele origin: germline.
Comment: This sequence change replaces cysteine, which is neutral and slightly polar, with serine, which is neutral and polar, at codon 401 of the FBXO38 protein (p.Cys401Ser). This variant is present in population databases (rs777938088, gnomAD 0.01%). This variant has not been reported in the literature in individuals affected with FBXO38-related conditions. ClinVar contains an entry for this variant (Variation ID: 2168445). Invitae Evidence Modeling of protein sequence and biophysical properties (such as structural, functional, and spatial information, amino acid conservation, physicochemical variation, residue mobility, and thermodynamic stability) indicates that this missense variant is not expected to disrupt FBXO38 protein function with a negative predictive value of 80%. In summary, the available evidence is currently insufficient to determine the role of this variant in disease. Therefore, it has been classified as a Variant of Uncertain Significance.

GeneDx
Classification: Uncertain significance. Last evaluated: 2023-12-10. Review status: criteria provided, single submitter. Criteria: GeneDx Variant Classification Process June 2021. Collection method: clinical testing. Allele origin: germline. Affected: yes.
Comment: In silico analysis supports that this missense variant does not alter protein structure/function; Has not been previously published as pathogenic or benign to our knowledge; Variants in candidate genes are classified as variants of uncertain significance in accordance with ACMG guidelines (PMID: 25741868)